The following is an entry in ClinVar:

NM_015570.4(AUTS2):c.742G>A (p.Asp248Asn)

Gene: AUTS2 (activator of transcription and developmental regulator AUTS2; plus strand). Cytogenetic location: 7q11.22.
Variant type: single nucleotide variant.
Coding change: c.742G>A on transcript NM_015570.4 (MANE Select); coding-DNA position 742, G replaced by A.
Protein change: p.Asp248Asn; replaces aspartic acid 248 with asparagine.
Molecular consequence: missense variant.
Genome position (GRCh38, 1-based): chr7:70,698,620, G>A. VCF-style: chr7-70698620-G-A. GRCh37 (hg19) VCF-style: chr7-70163606-G-A.
Other names: c.742G>A, p.Asp248Asn (NM_001127231.3); short protein forms D248N.
Identifiers: ClinVar variation 2771820 (VCV002771820.3), dbSNP rs2538852651, ClinGen allele CA367667045.
Genomic context (GRCh38, chr7:70,698,620, plus strand): 5'-GTTTTTCAGGCATCAGATGCCAGCTCTGAAAAACTCTTCAACACTGTTATTGTAAACAAA[G>A]GTAAGACCCATTCATTCTCCTGAGTAATGGCTTATTTTTATGTTAGTTTCATTGTCATTG-3'
Protein context (NP_056385.1, residues 238-258): KLFNTVIVNK[Asp248Asn]PELGVGTLPE

ClinVar aggregate classification (germline): Uncertain significance (1 of 4 stars; one submission).

Submission:

Labcorp Genetics (formerly Invitae), Labcorp
Classification: Uncertain significance. Last evaluated: 2023-10-25. Review status: criteria provided, single submitter. Criteria: Invitae Variant Classification Sherloc (09022015). Collection method: clinical testing. Allele origin: germline.
Comment: This sequence change replaces aspartic acid, which is acidic and polar, with asparagine, which is neutral and polar, at codon 248 of the AUTS2 protein (p.Asp248Asn). This variant also falls at the last nucleotide of exon 6, which is part of the consensus splice site for this exon. This variant is not present in population databases (gnomAD no frequency). This variant has not been reported in the literature in individuals affected with AUTS2-related conditions. An algorithm developed to predict the effect of missense changes on protein structure and function (PolyPhen-2) suggests that this variant is likely to be tolerated. Variants that disrupt the consensus splice site are a relatively common cause of aberrant splicing (PMID: 17576681, 9536098). In summary, the available evidence is currently insufficient to determine the role of this variant in disease. Therefore, it has been classified as a Variant of Uncertain Significance.

Literature cited by the submitters: PubMed 17576681; PubMed 9536098.